The following is an entry in ClinVar:

ClinVar aggregate classification (germline): Uncertain significance (1 of 4 stars; one submission).

Conditions:
Combined oxidative phosphorylation defect type 27. Also called: Combined oxidative phosphorylation deficiency 27. Identifiers: Orphanet 477774, MedGen C5567608, MONDO:0014728, OMIM 616672.

Allele frequency attached by ClinVar (database versions not stated): gnomAD exomes 0.00001.
gnomAD v4.1: 3 of 1,611,542 alleles (0.00019%); highest among the groups gnomAD compares: African/African-American, 0.0013%; no homozygotes.

Submission:

Labcorp Genetics (formerly Invitae), Labcorp
Classification: Uncertain significance for Combined oxidative phosphorylation defect type 27. Last evaluated: 2022-11-15. Review status: criteria provided, single submitter. Criteria: Invitae Variant Classification Sherloc (09022015). Collection method: clinical testing. Allele origin: germline.
Comment: Variants that disrupt the consensus splice site are a relatively common cause of aberrant splicing (PMID: 17576681, 9536098). Algorithms developed to predict the effect of sequence changes on RNA splicing suggest that this variant is not likely to affect RNA splicing. In summary, the available evidence is currently insufficient to determine the role of this variant in disease. Therefore, it has been classified as a Variant of Uncertain Significance. This variant has not been reported in the literature in individuals affected with CARS2-related conditions. This sequence change falls in intron 10 of the CARS2 gene. It does not directly change the encoded amino acid sequence of the CARS2 protein. It affects a nucleotide within the consensus splice site. This variant is present in population databases (no rsID available, gnomAD 0.0009%).

Literature cited by the submitters: PubMed 17576681; PubMed 9536098.

NM_024537.4(CARS2):c.1055-3C>T

Gene: CARS2 (cysteinyl-tRNA synthetase 2, mitochondrial; minus strand). Cytogenetic location: 13q34.
Variant type: single nucleotide variant.
Coding change: c.1055-3C>T on transcript NM_024537.4 (MANE Select); 3 bases into the intron before coding-DNA position 1055, C replaced by T.
Molecular consequence: intron variant.
Genome position (GRCh38, 1-based): chr13:110,647,242, G>A on the plus strand (C>T on the coding strand, the complement: CARS2 is on the minus strand). VCF-style: chr13-110647242-G-A. GRCh37 (hg19) VCF-style: chr13-111299589-G-A.
Other names: c.269-3C>T (NM_001352252.2).
Identifiers: ClinVar variation 2101462 (VCV002101462.4), dbSNP rs1198808661, ClinGen allele CA612641256.